The following is an entry in ClinVar:

NM_003072.5(SMARCA4):c.4236G>A (p.Lys1412=)

Gene: SMARCA4 (SWI/SNF related BAF chromatin remodeling complex subunit ATPase 4; plus strand). Cytogenetic location: 19p13.2.
Variant type: single nucleotide variant.
Coding change: c.4236G>A on transcript NM_003072.5 (MANE Select); coding-DNA position 4236, G replaced by A.
Protein change: p.Lys1412=; no amino-acid change (lysine 1412 retained).
Molecular consequence: synonymous variant. On other transcripts: non-coding transcript variant (1).
Genome position (GRCh38, 1-based): chr19:11,041,372, G>A. VCF-style: chr19-11041372-G-A. GRCh37 (hg19) VCF-style: chr19-11152048-G-A.
Other names: c.4236G>A, p.Lys1412= (NM_001128844.3); c.4146G>A, p.Lys1382= (NM_001128845.2, NM_001128846.2); c.4137G>A, p.Lys1379= (NM_001128847.4, NM_001128848.2, NM_001374457.1); c.4332G>A, p.Lys1444= (NM_001128849.3, NM_001387283.1).
Identifiers: ClinVar variation 238463 (VCV000238463.17), dbSNP rs370218941, ClinGen allele CA9204679.

ClinVar aggregate classification (germline): Benign/Likely benign. Review status: criteria provided, multiple submitters, no conflicts (2 of 4 stars). 3 submissions from 3 submitters: Benign (1); Likely benign (2). Last evaluated 2026-07-16.

Conditions:
Hereditary cancer-predisposing syndrome. Also called: Hereditary Cancer Syndrome; Tumor predisposition; Hereditary neoplastic syndrome; Neoplastic Syndromes, Hereditary. Identifiers: Orphanet 140162, MedGen C0027672, MeSH D009386, MONDO:0015356.
Rhabdoid tumor predisposition syndrome 2 (RTPS2). Identifiers: Orphanet 231108, Orphanet 69077, MedGen C2750074, MONDO:0013224, OMIM 613325.

Allele frequency attached by ClinVar (database versions not stated): TOPMed below 0.00001; ExAC 0.00001; gnomAD 0.00001; ESP Exome Variant Server 0.00008; gnomAD exomes 0.00001.
gnomAD v4.1: 6 of 1,612,588 alleles (0.00037%); highest among the groups gnomAD compares: East Asian, 0.0089%; no homozygotes.

Submissions (3):

Myriad Genetics, Inc.
Classification: Benign for Rhabdoid tumor predisposition syndrome 2. Last evaluated: 2026-07-16. Review status: criteria provided, single submitter. Criteria: Myriad Autosomal Dominant, Autosomal Recessive and X-Linked Classification Criteria (2023). Collection method: clinical testing. Allele origin: unknown.
Comment: This variant is considered benign. This variant is a silent/synonymous amino acid change and it is not expected to impact splicing.

Labcorp Genetics (formerly Invitae), Labcorp
Classification: Likely benign for Rhabdoid tumor predisposition syndrome 2. Last evaluated: 2025-11-18. Review status: criteria provided, single submitter. Criteria: Invitae Variant Classification Sherloc (09022015). Collection method: clinical testing. Allele origin: germline.

Ambry Genetics
Classification: Likely benign for Hereditary cancer-predisposing syndrome. Last evaluated: 2016-04-06. Review status: criteria provided, single submitter. Criteria: Ambry Variant Classification Scheme 2023. Collection method: clinical testing. Allele origin: germline.